The following is an entry in ClinVar:

ClinVar aggregate classification (germline): Uncertain significance (1 of 4 stars; one submission).

Conditions:
POMC-related disorder. Also called: POMC-related condition; POMC-related disorders.

Allele frequency attached by ClinVar (database versions not stated): ExAC 0.00006; 1000 Genomes Project 30x 0.00016; 1000 Genomes Project 0.03814.

Submission:

PreventionGenetics, part of Exact Sciences
Classification: Uncertain significance for POMC-related condition. Last evaluated: 2023-09-27. Review status: criteria provided, single submitter. Criteria: ACMG Guidelines, 2015. Collection method: clinical testing. Allele origin: germline.
Comment: The POMC c.272A>G variant is predicted to result in the amino acid substitution p.Asn91Ser. To our knowledge, this variant has not been reported in the literature. This variant is reported in 0.027% of alleles in individuals of African descent in gnomAD. At this time, the clinical significance of this variant is uncertain due to the absence of conclusive functional and genetic evidence.

NM_000939.4(POMC):c.272A>G (p.Asn91Ser)

Gene: POMC (proopiomelanocortin; minus strand). Cytogenetic location: 2p23.3.
Variant type: single nucleotide variant.
Coding change: c.272A>G on transcript NM_000939.4 (MANE Select); coding-DNA position 272, A replaced by G.
Protein change: p.Asn91Ser; replaces asparagine 91 with serine.
Molecular consequence: missense variant.
Genome position (GRCh38, 1-based): chr2:25,161,613, T>C on the plus strand (A>G on the coding strand, the complement: POMC is on the minus strand). VCF-style: chr2-25161613-T-C. GRCh37 (hg19) VCF-style: chr2-25384482-T-C.
Other names: c.272A>G, p.Asn91Ser (NM_001035256.3, NM_001319204.2, NM_001319205.2); short protein forms N91S.
Identifiers: ClinVar variation 2634189 (VCV002634189.1), dbSNP rs201517327, ClinGen allele CA1555343.